The following is an entry in ClinVar:

NM_020975.6(RET):c.2121T>A (p.Asp707Glu)

Gene: RET (ret proto-oncogene; plus strand). Cytogenetic location: 10q11.21.
Variant type: single nucleotide variant.
Coding change: c.2121T>A on transcript NM_020975.6 (MANE Select); coding-DNA position 2121, T replaced by A.
Protein change: p.Asp707Glu; replaces aspartic acid 707 with glutamic acid.
Molecular consequence: missense variant.
Genome position (GRCh38, 1-based): chr10:43,114,721, T>A. VCF-style: chr10-43114721-T-A. GRCh37 (hg19) VCF-style: chr10-43610169-T-A.
Other names: c.2121T>A, p.Asp707Glu (NM_000323.2, NM_001406743.1, NM_001406744.1 and 4 more transcripts); c.1359T>A, p.Asp453Glu (NM_001355216.2); c.1992T>A, p.Asp664Glu (NM_001406761.1, NM_001406762.1, NM_001406764.1); c.1986T>A, p.Asp662Glu (NM_001406763.1, NM_001406765.1); c.1833T>A, p.Asp611Glu (NM_001406766.1, NM_001406767.1, NM_001406770.1); c.1857T>A, p.Asp619Glu (NM_001406768.1); c.1725T>A, p.Asp575Glu (NM_001406769.1, NM_001406772.1); c.1683T>A, p.Asp561Glu (NM_001406771.1, NM_001406773.1); and 10 more; short protein forms D707E, D453E, D272E, D368E, D532E, D561E, D224E, D365E.
Identifiers: ClinVar variation 1786256 (VCV001786256.2), dbSNP rs1554818959, ClinGen allele CA376553355.

ClinVar aggregate classification (germline): Uncertain significance (1 of 4 stars; one submission).

Conditions:
Hereditary cancer-predisposing syndrome. Also called: Neoplastic Syndromes, Hereditary; Tumor predisposition; Hereditary Cancer Syndrome; Hereditary neoplastic syndrome. Identifiers: Orphanet 140162, MedGen C0027672, MeSH D009386, MONDO:0015356.

gnomAD v4.1: 1 of 1,610,718 alleles (0.000062%); no homozygotes.

Submission:

Ambry Genetics
Classification: Uncertain significance for Hereditary cancer-predisposing syndrome. Last evaluated: 2022-03-30. Review status: criteria provided, single submitter. Criteria: Ambry Variant Classification Scheme 2023. Collection method: clinical testing. Allele origin: germline.
Comment: The p.D707E variant (also known as c.2121T>A), located in coding exon 11 of the RET gene, results from a T to A substitution at nucleotide position 2121. The aspartic acid at codon 707 is replaced by glutamic acid, an amino acid with highly similar properties. This alteration was reported in multiple individuals diagnosed with medullary thyroid cancer with or without pheochromocytoma from a large Han Chinese family; however, this variant was not present in all affected individuals (Zhang L et al. Pathobiology. 2017 Nov;84:152-160). This alteration was also detected in numerous individuals with medullary thyroid cancer in a large, extended Chinese family; however, all individuals with this variant also had RET p.C634Y, a well-established pathogenic alteration associated with multiple endocrine neoplasia type 2 phenotype (Lu F et al. Oncol Lett. 2017 Sep;14:3552-3558; Kloos et al. Thyroid. 2009 Jun;19:565-612). This amino acid position is well conserved in available vertebrate species. In addition, this alteration is predicted to be tolerated by in silico analysis. Since supporting evidence is conflicting at this time, the clinical significance of this alteration remains unclear.

Literature cited by the submitters: PubMed 19469690; PubMed 27798940; PubMed 28943896.